The following is an entry in ClinVar:

ClinVar aggregate classification (germline): Uncertain significance. Review status: criteria provided, multiple submitters, no conflicts (2 of 4 stars). 3 submissions from 3 submitters: Uncertain significance (3). Last evaluated 2026-02-11.

Conditions:
Mitochondrial complex II deficiency, nuclear type 1. Also called: SUCCINATE CoQ REDUCTASE DEFICIENCY. Identifiers: Orphanet 3208, MedGen C5700310, MONDO:0100294, OMIM 252011.
Pheochromocytoma/paraganglioma syndrome 5. Also called: Paragangliomas 5; SDHA-Related Hereditary Paraganglioma-Pheochromocytoma Syndrome. Identifiers: Orphanet 29072, MedGen C3279992, MONDO:0013602, OMIM 614165.
Hereditary cancer-predisposing syndrome. Also called: Hereditary Cancer Syndrome; Neoplastic Syndromes, Hereditary; Tumor predisposition; Hereditary neoplastic syndrome. Identifiers: Orphanet 140162, MedGen C0027672, MeSH D009386, MONDO:0015356.

Allele frequency attached by ClinVar (database versions not stated): gnomAD exomes below 0.00001.
gnomAD v4.1: 1 of 1,572,118 alleles (0.000064%); highest among the groups gnomAD compares: Non-Finnish European, 0.000086%; no homozygotes.

Submissions (3):

St. Jude Molecular Pathology, St. Jude Children's Research Hospital
Classification: Uncertain significance for Pheochromocytoma/paraganglioma syndrome 5. Last evaluated: 2026-02-11. Review status: criteria provided, single submitter. Criteria: St. Jude Assertion Criteria 2020. Collection method: clinical testing. Allele origin: germline.
Comment: The SDHA c.1891G>A p.(Asp631Asn) missense change is absent in gnomAD v2.1.1. The in silico tool REVEL is inconclusive about a pathogenic or benign effect of this variant on protein function, and to our knowledge functional studies have not been performed. To our knowledge, this variant has not been reported in individuals with SDHA-associated tumors. In summary, the evidence currently available is insufficient to determine the clinical significance of this variant. It has therefore been classified as of uncertain significance.

Ambry Genetics
Classification: Uncertain significance for Hereditary cancer-predisposing syndrome. Last evaluated: 2025-03-10. Review status: criteria provided, single submitter. Criteria: Ambry Variant Classification Scheme 2023. Collection method: clinical testing. Allele origin: germline.
Comment: The p.D631N variant (also known as c.1891G>A), located in coding exon 14 of the SDHA gene, results from a G to A substitution at nucleotide position 1891. The aspartic acid at codon 631 is replaced by asparagine, an amino acid with highly similar properties. This amino acid position is highly conserved in available vertebrate species. In addition, this alteration is predicted to be tolerated by in silico analysis. Based on the available evidence, the clinical significance of this variant remains unclear.

Labcorp Genetics (formerly Invitae), Labcorp
Classification: Uncertain significance for Pheochromocytoma/paraganglioma syndrome 5; Mitochondrial complex II deficiency, nuclear type 1. Last evaluated: 2020-09-15. Review status: criteria provided, single submitter. Criteria: Invitae Variant Classification Sherloc (09022015). Collection method: clinical testing. Allele origin: germline.
Comment: This variant is not present in population databases (ExAC no frequency). This sequence change replaces aspartic acid with asparagine at codon 631 of the SDHA protein (p.Asp631Asn). The aspartic acid residue is highly conserved and there is a small physicochemical difference between aspartic acid and asparagine. This variant has not been reported in the literature in individuals with SDHA-related conditions. In summary, the available evidence is currently insufficient to determine the role of this variant in disease. Therefore, it has been classified as a Variant of Uncertain Significance. Algorithms developed to predict the effect of missense changes on protein structure and function (SIFT, PolyPhen-2, Align-GVGD) all suggest that this variant is likely to be tolerated, but these predictions have not been confirmed by published functional studies and their clinical significance is uncertain.

NM_004168.4(SDHA):c.1891G>A (p.Asp631Asn)

Gene: SDHA (succinate dehydrogenase complex flavoprotein subunit A; plus strand). Cytogenetic location: 5p15.33.
Variant type: single nucleotide variant.
Coding change: c.1891G>A on transcript NM_004168.4 (MANE Select); coding-DNA position 1891, G replaced by A.
Protein change: p.Asp631Asn; replaces aspartic acid 631 with asparagine.
Molecular consequence: missense variant.
Genome position (GRCh38, 1-based): chr5:254,489, G>A. VCF-style: chr5-254489-G-A. GRCh37 (hg19) VCF-style: chr5-254604-G-A.
Other names: c.1747G>A, p.Asp583Asn (NM_001294332.2); c.1648G>A, p.Asp550Asn (NM_001330758.2); c.1891G>A (NM_004168.2); short protein forms D631N, D550N, D583N.
Identifiers: ClinVar variation 970192 (VCV000970192.12), dbSNP rs776500078, ClinGen allele CA359002196.